The following is an entry in ClinVar:

NM_000069.3(CACNA1S):c.4962C>T (p.Asn1654=)

Gene: CACNA1S (calcium voltage-gated channel subunit alpha1 S; minus strand). Cytogenetic location: 1q32.1.
Variant type: single nucleotide variant.
Coding change: c.4962C>T on transcript NM_000069.3 (MANE Select); coding-DNA position 4962, C replaced by T.
Protein change: p.Asn1654=; no amino-acid change (asparagine 1654 retained).
Molecular consequence: synonymous variant.
Genome position (GRCh38, 1-based): chr1:201,043,367, G>A on the plus strand (C>T on the coding strand, the complement: CACNA1S is on the minus strand). VCF-style: chr1-201043367-G-A. GRCh37 (hg19) VCF-style: chr1-201012495-G-A.
Identifiers: ClinVar variation 541047 (VCV000541047.14), dbSNP rs370339547, ClinGen allele CA083631.

ClinVar aggregate classification (germline): Likely benign. Review status: criteria provided, multiple submitters, no conflicts (2 of 4 stars). 3 submissions from 3 submitters: Likely benign (2). 1 of the submissions does not count toward it. Last evaluated 2025-09-14.

Conditions:
Malignant hyperthermia, susceptibility to, 5 (MHS5). Also called: CACNA1S-Related Malignant Hyperthermia Susceptibility. Identifiers: Orphanet 423, MedGen C1866077, MONDO:0011163, OMIM 601887.
CACNA1S-related disorder. Also called: CACNA1S-related condition.
Hypokalemic periodic paralysis, type 1. Also called: HypoPP; Hypokalemic Periodic Paralysis Type 1 (AD). Identifiers: Orphanet 681, MedGen C3714580, MONDO:0042979, OMIM 170400.

Allele frequency attached by ClinVar (database versions not stated): TOPMed 0.00002; ExAC 0.00005; ESP Exome Variant Server 0.00008; gnomAD exomes 0.00008 and 0.00015.
gnomAD v4.1: 229 of 1,614,108 alleles (0.014%); highest among the groups gnomAD compares: Non-Finnish European, 0.019%; no homozygotes.

Submissions (3):

Labcorp Genetics (formerly Invitae), Labcorp
Classification: Likely benign for Hypokalemic periodic paralysis, type 1; Malignant hyperthermia, susceptibility to, 5. Last evaluated: 2025-09-14. Review status: criteria provided, single submitter. Criteria: Invitae Variant Classification Sherloc (09022015). Collection method: clinical testing. Allele origin: germline.

Color Diagnostics, LLC DBA Color Health
Classification: Likely benign for Malignant hyperthermia, susceptibility to, 5. Last evaluated: 2022-11-06. Review status: criteria provided, single submitter. Criteria: ACMG Guidelines, 2015. Collection method: clinical testing. Allele origin: germline.

PreventionGenetics, part of Exact Sciences
Classification: Likely benign for CACNA1S-related condition. Last evaluated: 2020-03-03. Review status: no assertion criteria provided. Collection method: clinical testing. Allele origin: germline. Not counted in ClinVar's aggregate classification.
Comment: This variant is classified as likely benign based on ACMG/AMP sequence variant interpretation guidelines (Richards et al. 2015 PMID: 25741868, with internal and published modifications).